The following is an entry in ClinVar:

NM_001009944.3(PKD1):c.7751_7754del (p.Leu2584fs)

Gene: PKD1 (polycystin 1, transient receptor potential channel interacting; minus strand). Cytogenetic location: 16p13.3.
Variant type: Deletion.
Coding change: c.7751_7754del on transcript NM_001009944.3 (MANE Select); coding-DNA positions 7751 to 7754, 4 bases deleted (TCAC; older notation c.7751_7754delTCAC).
Protein change: p.Leu2584fs; shifts the reading frame from leucine 2584.
Molecular consequence: frameshift variant.
Genome position (GRCh38, 1-based): chr16:2,105,974-2,105,977, GTGA deleted on the plus strand (TCAC on the coding strand, the reverse complement: PKD1 is on the minus strand); deleting any 4 consecutive bases within chr16:2,105,974-2,105,978 gives the same sequence; the c. name uses the placement nearest the transcript's 3' end. VCF-style (leftmost placement, unchanged base first): chr16-2105973-TGTGA-T. GRCh37 (hg19) VCF-style: chr16-2155974-TGTGA-T.
Other names: c.7751_7754del, p.Leu2584fs (NM_000296.4); short protein forms L2584fs.
Identifiers: ClinVar variation 618822 (VCV000618822.8), dbSNP rs1567183784, ClinGen allele CA913190659.
Genomic context (GRCh38, chr16:2,105,973, plus strand): 5'-GGGATCGGCCTGCCGCAGCAGCCCTGGGAGCACACTAGCGGTGAGCCCGTGCAGCCAGAC[TGTGA>T]GCCCCGTTGCGCTGCCGTTGGGCTCTGGGAGGGTGATGGCCAAAGACCTACGAGCAGAGG-3'

ClinVar aggregate classification (germline): Pathogenic (1 of 4 stars; one submission).

Submission:

ARUP Laboratories, Molecular Genetics and Genomics, ARUP Laboratories
Classification: Pathogenic. Last evaluated: 2018-04-18. Review status: criteria provided, single submitter. Criteria: ARUP Molecular Germline Variant Investigation Process. Collection method: clinical testing. Allele origin: germline.
Comment: The PKD1 c.7751_7754delTCAC; p.Leu2584fs variant, to our knowledge, has not been reported in the medical literature or in gene-specific databases. It is also absent from the general population databases (1000 Genomes Project, Exome Variant Server, and Genome Aggregation Database), indicating it is not a common polymorphism. This variant creates a frameshift by deleting 4 nucleotides, so it is predicted to result in a truncated protein or mRNA subject to nonsense-mediated decay. Additionally, another variant that creates a frameshift at this codon (c.7750delC) has been described in at least one individual affected with autosomal dominant polycystic kidney disease and is considered pathogenic (Audrezet 2012). Based on available information, this variant is considered pathogenic. References: Audrezet M et al. Autosomal dominant polycystic kidney disease: comprehensive mutation analysis of PKD1 and PKD2 in 700 unrelated patients. Hum Mutat. 2012 Aug;33(8):1239-50.